The following is an entry in ClinVar:

NM_002968.3(SALL1):c.3395A>G (p.Lys1132Arg)

Gene: SALL1 (spalt like transcription factor 1; minus strand). Cytogenetic location: 16q12.1.
Variant type: single nucleotide variant.
Coding change: c.3395A>G on transcript NM_002968.3 (MANE Select); coding-DNA position 3395, A replaced by G.
Protein change: p.Lys1132Arg; replaces lysine 1132 with arginine.
Molecular consequence: missense variant.
Genome position (GRCh38, 1-based): chr16:51,138,827, T>C on the plus strand (A>G on the coding strand, the complement: SALL1 is on the minus strand). VCF-style: chr16-51138827-T-C. GRCh37 (hg19) VCF-style: chr16-51172738-T-C.
Other names: c.3104A>G, p.Lys1035Arg (NM_001127892.2); short protein forms K1035R, K1132R.
Identifiers: ClinVar variation 4847144 (VCV004847144.1).
Genomic context (GRCh38, chr16:51,138,827, plus strand): 5'-TGAATCTGCAGGGCACTCGATGAGGAGAAGGTTTTGCCACATGTGTTGCAGTAGTGCTGC[T>C]TGGGAGTTCTCCTGGGCAGAGCAGGGAGCAGAACTGGGGATGTGGCAGAGGAAGACAGAG-3'
Protein context (NP_002959.2, residues 1122-1142): LLPALPRRTP[Lys1132Arg]QHYCNTCGKT

ClinVar aggregate classification (germline): Uncertain significance (1 of 4 stars; one submission).

gnomAD v4.1: 22 of 1,614,072 alleles (0.0014%); highest among the groups gnomAD compares: Admixed American, 0.005%; no homozygotes.

Submission:

Women's Health and Genetics/Laboratory Corporation of America, LabCorp
Classification: Uncertain significance. Last evaluated: 2026-03-17. Review status: criteria provided, single submitter. Criteria: LabCorp Variant Classification Summary - May 2015. Collection method: clinical testing. Allele origin: germline.
Comment: Variant summary: SALL1 c.3395A>G (p.Lys1132Arg) results in a conservative amino acid change in the encoded protein sequence. Algorithms developed to predict the effect of missense changes on protein structure and function are either unavailable or do not agree on the potential impact of this missense change. The variant allele was found at a frequency of 8e-06 in 251430 control chromosomes. The available data on variant occurrences in the general population are insufficient to allow any conclusion about variant significance. To our knowledge, no occurrence of c.3395A>G in individuals affected with SALL1-related conditions and no experimental evidence demonstrating its impact on protein function have been reported. No submitters have cited clinical-significance assessments for this variant to ClinVar. Based on the evidence outlined above, the variant was classified as uncertain significance.